The following is an entry in ClinVar:

ClinVar aggregate classification (germline): Uncertain significance (1 of 4 stars; one submission).

Conditions:
Cardiovascular phenotype. Identifiers: MedGen CN230736.

Submission:

Ambry Genetics
Classification: Uncertain significance for Cardiovascular phenotype. Last evaluated: 2026-02-15. Review status: criteria provided, single submitter. Criteria: Ambry Variant Classification Scheme 2023. Collection method: clinical testing. Allele origin: germline.
Comment: The p.Q791E variant (also known as c.2371C>G), located in coding exon 24 of the MYBPC3 gene, results from a C to G substitution at nucleotide position 2371. The glutamine at codon 791 is replaced by glutamic acid, an amino acid with highly similar properties. This amino acid position is conserved. In addition, this alteration is predicted to be tolerated by in silico analysis. Based on the available evidence, the clinical significance of this variant remains unclear.

NM_000256.3(MYBPC3):c.2371C>G (p.Gln791Glu)

Gene: MYBPC3 (myosin binding protein C3; minus strand). Cytogenetic location: 11p11.2.
Variant type: single nucleotide variant.
Coding change: c.2371C>G on transcript NM_000256.3 (MANE Select); coding-DNA position 2371, C replaced by G.
Protein change: p.Gln791Glu; replaces glutamine 791 with glutamic acid.
Molecular consequence: missense variant.
Genome position (GRCh38, 1-based): chr11:47,337,732, G>C on the plus strand (C>G on the coding strand, the complement: MYBPC3 is on the minus strand). VCF-style: chr11-47337732-G-C. GRCh37 (hg19) VCF-style: chr11-47359283-G-C.
Other names: short protein forms Q791E.
Identifiers: ClinVar variation 4844342 (VCV004844342.1).